The following is an entry in ClinVar:

NM_153717.3(EVC):c.2096T>C (p.Leu699Pro)

Gene: EVC (EvC ciliary complex subunit 1; plus strand). Cytogenetic location: 4p16.2.
Variant type: single nucleotide variant.
Coding change: c.2096T>C on transcript NM_153717.3 (MANE Select); coding-DNA position 2096, T replaced by C.
Protein change: p.Leu699Pro; replaces leucine 699 with proline.
Molecular consequence: missense variant.
Genome position (GRCh38, 1-based): chr4:5,797,231, T>C. VCF-style: chr4-5797231-T-C. GRCh37 (hg19) VCF-style: chr4-5798958-T-C.
Other names: c.2096T>C, p.Leu699Pro (NM_001306090.2); short protein forms L699P.
Identifiers: ClinVar variation 1426932 (VCV001426932.7), dbSNP rs2152340934, ClinGen allele CA356144100.

ClinVar aggregate classification (germline): Uncertain significance (1 of 4 stars; one submission).

Conditions:
Ellis-van Creveld syndrome (EVC). Also called: Chondroectodermal dysplasia; EVC-Related Ellis-van Creveld Syndrome; EVC2-Related Ellis-van Creveld Syndrome; MESOECTODERMAL DYSPLASIA. Identifiers: Orphanet 289, MedGen C0013903, MONDO:0009162, OMIM 225500.
Curry-Hall syndrome (WAD). Also called: WEYERS ACRODENTAL DYSOSTOSIS. Identifiers: Orphanet 952, MedGen C0457013, MONDO:0008673, OMIM 193530.

Submission:

Labcorp Genetics (formerly Invitae), Labcorp
Classification: Uncertain significance for Curry-Hall syndrome; Ellis-van Creveld syndrome. Last evaluated: 2022-06-28. Review status: criteria provided, single submitter. Criteria: Invitae Variant Classification Sherloc (09022015). Collection method: clinical testing. Allele origin: germline.
Comment: This sequence change replaces leucine, which is neutral and non-polar, with proline, which is neutral and non-polar, at codon 699 of the EVC protein (p.Leu699Pro). This variant is not present in population databases (gnomAD no frequency). This variant has not been reported in the literature in individuals affected with EVC-related conditions. Algorithms developed to predict the effect of missense changes on protein structure and function are either unavailable or do not agree on the potential impact of this missense change (SIFT: "Deleterious"; PolyPhen-2: "Probably Damaging"; Align-GVGD: "Class C0"). In summary, the available evidence is currently insufficient to determine the role of this variant in disease. Therefore, it has been classified as a Variant of Uncertain Significance.